The following is an entry in ClinVar:

ClinVar aggregate classification (germline): Uncertain significance (1 of 4 stars; one submission).

Submission:

Labcorp Genetics (formerly Invitae), Labcorp
Classification: Uncertain significance. Last evaluated: 2022-09-06. Review status: criteria provided, single submitter. Criteria: Invitae Variant Classification Sherloc (09022015). Collection method: clinical testing. Allele origin: germline.
Comment: This variant has not been reported in the literature in individuals affected with TRRAP-related conditions. This variant is not present in population databases (gnomAD no frequency). This sequence change replaces valine, which is neutral and non-polar, with glutamic acid, which is acidic and polar, at codon 2665 of the TRRAP protein (p.Val2665Glu). Algorithms developed to predict the effect of missense changes on protein structure and function are either unavailable or do not agree on the potential impact of this missense change (SIFT: "Deleterious"; PolyPhen-2: "Benign"; Align-GVGD: "Class C0"). In summary, the available evidence is currently insufficient to determine the role of this variant in disease. Therefore, it has been classified as a Variant of Uncertain Significance.

NM_001375524.1(TRRAP):c.8069T>A (p.Val2690Glu)

Gene: TRRAP (transformation/transcription domain associated protein; plus strand). Cytogenetic location: 7q22.1.
Variant type: single nucleotide variant.
Coding change: c.8069T>A on transcript NM_001375524.1 (MANE Select); coding-DNA position 8069, T replaced by A.
Protein change: p.Val2690Glu; replaces valine 2690 with glutamic acid.
Molecular consequence: missense variant.
Genome position (GRCh38, 1-based): chr7:98,976,592, T>A. VCF-style: chr7-98976592-T-A. GRCh37 (hg19) VCF-style: chr7-98574215-T-A.
Other names: c.8048T>A, p.Val2683Glu (NM_001244580.2); c.7994T>A, p.Val2665Glu (NM_003496.4); short protein forms V2665E, V2683E, V2690E.
Identifiers: ClinVar variation 1718968 (VCV001718968.5), dbSNP rs2484948002, ClinGen allele CA368303411.
Genomic context (GRCh38, chr7:98,976,592, plus strand): 5'-TGCAGCGGGACTGCCAGCCCAGCGCGCTGAACTGCTTTGTGGAAGCCATGTCCCAGTGCG[T>A]GCCGCCAATCCCCATCCGACCCTGCGTCCTGAAGTACCTGGGGAAGACACACAACCTCTG-3'
Protein context (NP_001362453.1, residues 2680-2700): NCFVEAMSQC[Val2690Glu]PPIPIRPCVL